The following is an entry in ClinVar:

ClinVar aggregate classification (germline): Pathogenic/Likely pathogenic. Review status: criteria provided, multiple submitters, no conflicts (2 of 4 stars). 3 submissions from 3 submitters: Pathogenic (2); Likely pathogenic (1). Last evaluated 2025-10-01.

Conditions:
PKD1-related disorder. Also called: PKD1-related condition.
Polycystic kidney disease, adult type (PKD1). Also called: Polycystic Kidney Disease 1, Autosomal Dominant; Polycystic kidney disease 1; Polycystic kidney disease 1, severe; Polycystic Kidney, Autosomal Dominant; POLYCYSTIC KIDNEY DISEASE 1 WITH OR WITHOUT POLYCYSTIC LIVER DISEASE; POLYCYSTIC KIDNEY DISEASE, ADULT, TYPE I. Identifiers: MedGen C3149841, MONDO:0008263, OMIM 173900.

Submissions (3):

CeGaT Center for Human Genetics Tuebingen
Classification: Pathogenic. Last evaluated: 2025-10-01. Review status: criteria provided, single submitter. Criteria: CeGaT Center For Human Genetics Tuebingen Variant Classification Criteria Version 2. Collection method: clinical testing. Allele origin: germline. Affected: yes. Observed: 1 variant allele.
Comment: PKD1: PVS1, PM2

Blueprint Genetics
Classification: Likely pathogenic for PKD1-related disorders. Last evaluated: 2023-03-22. Review status: criteria provided, single submitter. Criteria: ACMG Guidelines, 2015. Collection method: clinical testing. Allele origin: germline. Affected: yes. Observed: 1 variant allele.

MVZ Medizinische Genetik Mainz
Classification: Pathogenic for Polycystic kidney disease, adult type. Last evaluated: 2023-02-28. Review status: criteria provided, single submitter. Criteria: UK Practice Guidelines For Variant Classification V4 01 2020. Collection method: clinical testing. Allele origin: germline. Inheritance: Autosomal dominant inheritance. Affected: yes. Observed: 1 variant allele.
Comment: ACMG Criteria: PVS1, PM2_SUP, PP4 (ACMG Version 4)

NM_001009944.3(PKD1):c.381dup (p.Glu128Ter)

Gene: PKD1 (polycystin 1, transient receptor potential channel interacting; minus strand). Cytogenetic location: 16p13.3.
Variant type: Duplication.
Coding change: c.381dup on transcript NM_001009944.3 (MANE Select); coding-DNA position 381, one base duplicated (T; older notation c.381dupT).
Protein change: p.Glu128Ter; replaces glutamic acid 128 with a stop codon.
Molecular consequence: nonsense.
Genome position (GRCh38, 1-based): chr16:2,118,824, A duplicated on the plus strand (T on the coding strand, the reverse complement: PKD1 is on the minus strand); the first of 3 consecutive A bases (chr16:2,118,824-2,118,826); duplicating any one gives the same sequence. VCF-style (leftmost placement, unchanged base first): chr16-2118823-C-CA. GRCh37 (hg19) VCF-style: chr16-2168824-C-CA.
Other names: c.381dup, p.Glu128Ter (NM_000296.4); short protein forms E128*.
Identifiers: ClinVar variation 3236822 (VCV003236822.8), dbSNP rs2544883301.